The following is an entry in ClinVar:

NM_007294.4(BRCA1):c.141C>A (p.Cys47Ter)

Gene: BRCA1 (BRCA1 DNA repair associated; minus strand). Cytogenetic location: 17q21.31.
Variant type: single nucleotide variant.
Coding change: c.141C>A on transcript NM_007294.4 (MANE Select); coding-DNA position 141, C replaced by A.
Protein change: p.Cys47Ter; replaces cysteine 47 with a stop codon.
Molecular consequence: nonsense. On other transcripts: 5 prime UTR variant (163), intron variant (34).
Genome position (GRCh38, 1-based): chr17:43,106,527, G>T on the plus strand (C>A on the coding strand, the complement: BRCA1 is on the minus strand). VCF-style: chr17-43106527-G-T. GRCh37 (hg19) VCF-style: chr17-41258544-G-T.
Other names: 260C>A; c.-48C>A (NM_001407950.1, NM_001407951.1, NM_001407952.1 and 58 more transcripts); c.-1C>A (NM_001407964.1, NM_001408410.1, NM_001408452.1 and 99 more transcripts); c.141C>A, p.Cys47Ter (NM_001407968.1, NM_001407969.1, NM_001407970.1 and 168 more transcripts); c.-218-11667C>A (NM_001407967.1, NM_001407966.1); c.-169-1571C>A (NM_001407959.1, NM_001407962.1, NM_001408512.1 and 4 more transcripts); c.81-1571C>A (NM_001408451.1); c.135-1571C>A (NM_001408475.1, NM_001407875.1, NM_001407659.1 and 21 more transcripts); short protein forms C47*.
Identifiers: ClinVar variation 91553 (VCV000091553.15), dbSNP rs398122635, ClinGen allele CA000957.

ClinVar aggregate classification (germline): Pathogenic. Review status: reviewed by expert panel (3 of 4 stars). 3 submissions from 3 submitters: Pathogenic (1). 2 of the submissions do not count toward it. Last evaluated 2016-09-08.

Conditions:
Hereditary breast ovarian cancer syndrome. Also called: BRCA1- and BRCA2-Associated Hereditary Breast and Ovarian Cancer; Hereditary breast and ovarian cancer syndrome; Hereditary breast and ovarian cancer syndrome (HBOC); Breast and ovarian cancer; Hereditary breast and/or ovarian cancer syndrome; Hereditary breast and ovarian cancer. Identifiers: Orphanet 145, MedGen C0677776, MeSH D061325, MONDO:0003582. Disease mechanism: loss of function.
Breast-ovarian cancer, familial, susceptibility to, 1 (BROVCA1). Also called: BRCA1 Hereditary Breast and Ovarian Cancer; OVARIAN CANCER, SUSCEPTIBILITY TO. Identifiers: Orphanet 145, MedGen C2676676, MONDO:0011450, OMIM 604370. Disease mechanism: loss of function.

Submissions (4):

Evidence-based Network for the Interpretation of Germline Mutant Alleles (ENIGMA)
Classification: Pathogenic for Breast-ovarian cancer, familial, susceptibility to, 1. Last evaluated: 2016-09-08. Review status: reviewed by expert panel. Criteria: ENIGMA BRCA1/2 Classification Criteria (2015). Collection method: curation. Allele origin: germline.
Comment: Variant allele predicted to encode a truncated non-functional protein.

Labcorp Genetics (formerly Invitae), Labcorp
Classification: Pathogenic for Hereditary breast ovarian cancer syndrome. Last evaluated: 2021-04-09. Review status: criteria provided, single submitter. Criteria: Invitae Variant Classification Sherloc (09022015). Collection method: clinical testing. Allele origin: germline. Not counted in ClinVar's aggregate classification.
Comment: This sequence change creates a premature translational stop signal (p.Cys47*) in the BRCA1 gene. It is expected to result in an absent or disrupted protein product. Loss-of-function variants in BRCA1 are known to be pathogenic (PMID: 20104584). This variant is not present in population databases (ExAC no frequency). For these reasons, this variant has been classified as Pathogenic. This variant has been observed in individual(s) with breast cancer (PMID: 30039884). ClinVar contains an entry for this variant (Variation ID: 91553).

Sharing Clinical Reports Project (SCRP)
Classification: Pathogenic for Breast-ovarian cancer, familial 1. Last evaluated: 2012-01-23. Review status: no assertion criteria provided. Collection method: clinical testing. Allele origin: germline. Not counted in ClinVar's aggregate classification.

Brotman Baty Institute, University of Washington
No classification provided (evidence only). Condition: Breast-ovarian cancer, familial 1. Review status: no classification provided. Collection method: in vitro. Allele origin: not applicable. Functional consequence: functionally_abnormal. Not counted in ClinVar's aggregate classification.
ClinVar note: "not provided" was previously submitted as the classification for the variant. However, the classification appeared to be based only on an observation of functional data so it was converted to no classification on 2025-07-30.

Literature cited by the submitters: PubMed 20104584 (cited by Labcorp Genetics (formerly Invitae), Labcorp); PubMed 30039884 (cited by Labcorp Genetics (formerly Invitae), Labcorp).